The following is an entry in ClinVar:

ClinVar aggregate classification (germline): Pathogenic. Review status: criteria provided, multiple submitters, no conflicts (2 of 4 stars). 3 submissions from 3 submitters: Pathogenic (3). Last evaluated 2025-10-03.

Conditions:
Autosomal recessive hypophosphatemic bone disease (HHRH). Also called: Hypophosphatemic rickets with hypercalciuria; HYPERCALCIURIC RICKETS. Identifiers: Orphanet 157215, MedGen C1853271, MONDO:0009431, OMIM 241530.

Submissions (3):

Rare Kidney Stone Consortium and the Mayo Clinic Hyperoxaluria Center, Mayo Clinic
Classification: Pathogenic for Autosomal recessive hypophosphatemic bone disease. Last evaluated: 2025-10-03. Review status: criteria provided, single submitter. Criteria: ACMG Guidelines, 2015. Collection method: research. Allele origin: germline. Affected: yes. Observed: 1 variant allele.
Comment: ACMG:PVS1, PM2, PP5

Labcorp Genetics (formerly Invitae), Labcorp
Classification: Pathogenic. Last evaluated: 2025-06-12. Review status: criteria provided, single submitter. Criteria: Invitae Variant Classification Sherloc (09022015). Collection method: clinical testing. Allele origin: germline.
Comment: This sequence change creates a premature translational stop signal (p.Leu246Alafs*23) in the SLC34A3 gene. It is expected to result in an absent or disrupted protein product. Loss-of-function variants in SLC34A3 are known to be pathogenic (PMID: 16358214, 16358215, 22159077). This variant is present in population databases (no rsID available, gnomAD 0.01%). This variant has not been reported in the literature in individuals affected with SLC34A3-related conditions. ClinVar contains an entry for this variant (Variation ID: 1916375). For these reasons, this variant has been classified as Pathogenic.

Fulgent Genetics
Classification: Pathogenic for Autosomal recessive hypophosphatemic bone disease. Last evaluated: 2024-01-19. Review status: criteria provided, single submitter. Criteria: ACMG Guidelines, 2015. Collection method: clinical testing. Allele origin: germline.

Literature cited by the submitters: PubMed 34666334 (cited by Rare Kidney Stone Consortium and the Mayo Clinic Hyperoxaluria Center, Mayo Clinic); PubMed 40794449 (cited by Rare Kidney Stone Consortium and the Mayo Clinic Hyperoxaluria Center, Mayo Clinic); PubMed 16358214 (cited by Labcorp Genetics (formerly Invitae), Labcorp); PubMed 16358215 (cited by Labcorp Genetics (formerly Invitae), Labcorp); PubMed 22159077 (cited by Labcorp Genetics (formerly Invitae), Labcorp).

NM_001177316.2(SLC34A3):c.734dup (p.Leu246fs)

Gene: SLC34A3 (solute carrier family 34 member 3; plus strand). Cytogenetic location: 9q34.3.
Variant type: Duplication.
Coding change: c.734dup on transcript NM_001177316.2 (MANE Select); coding-DNA position 734, one base duplicated (C; older notation c.734dupC).
Protein change: p.Leu246fs; shifts the reading frame from leucine 246.
Molecular consequence: frameshift variant.
Genome position (GRCh38, 1-based): chr9:137,233,382, C duplicated; the last of 2 consecutive C bases (chr9:137,233,381-137,233,382); duplicating either gives the same sequence. VCF-style (leftmost placement, unchanged base first): chr9-137233380-G-GC. GRCh37 (hg19) VCF-style: chr9-140127832-G-GC.
Other names: c.734dupC (NM_001177316.2); c.734dup, p.Leu246fs (NM_001177317.2, NM_080877.3); c.734dup (NM_080877.2); short protein forms L246fs.
Identifiers: ClinVar variation 1916375 (VCV001916375.7), dbSNP rs1169054324, ClinGen allele CA591373861.